The following is an entry in ClinVar:

ClinVar aggregate classification (germline): Uncertain significance (1 of 4 stars; one submission).

Submission:

Labcorp Genetics (formerly Invitae), Labcorp
Classification: Uncertain significance. Last evaluated: 2022-03-05. Review status: criteria provided, single submitter. Criteria: Invitae Variant Classification Sherloc (09022015). Collection method: clinical testing. Allele origin: germline.
Comment: This sequence change replaces proline, which is neutral and non-polar, with histidine, which is basic and polar, at codon 79 of the HOXB13 protein (p.Pro79His). This variant is not present in population databases (gnomAD no frequency). This variant has not been reported in the literature in individuals affected with HOXB13-related conditions. Algorithms developed to predict the effect of missense changes on protein structure and function are either unavailable or do not agree on the potential impact of this missense change (SIFT: "Deleterious"; PolyPhen-2: "Probably Damaging"; Align-GVGD: "Class C0"). In summary, the available evidence is currently insufficient to determine the role of this variant in disease. Therefore, it has been classified as a Variant of Uncertain Significance.

NM_006361.6(HOXB13):c.236C>A (p.Pro79His)

Gene: HOXB13 (homeobox B13; minus strand). Cytogenetic location: 17q21.32.
Variant type: single nucleotide variant.
Coding change: c.236C>A on transcript NM_006361.6 (MANE Select); coding-DNA position 236, C replaced by A.
Protein change: p.Pro79His; replaces proline 79 with histidine.
Molecular consequence: missense variant.
Genome position (GRCh38, 1-based): chr17:48,728,358, G>T on the plus strand (C>A on the coding strand, the complement: HOXB13 is on the minus strand). VCF-style: chr17-48728358-G-T. GRCh37 (hg19) VCF-style: chr17-46805720-G-T.
Other names: short protein forms P79H.
Identifiers: ClinVar variation 1432310 (VCV001432310.8), dbSNP rs958681537, ClinGen allele CA400107869.